The following is an entry in ClinVar:

ClinVar aggregate classification (germline): Uncertain significance (1 of 4 stars; one submission).

Conditions:
Propionic acidemia (PROP). Also called: GLYCINEMIA, KETOTIC; HYPERGLYCINEMIA WITH KETOACIDOSIS AND LEUKOPENIA; KETOTIC HYPERGLYCINEMIA. Identifiers: Orphanet 35, MedGen C0268579, MONDO:0011628, OMIM 606054, HP:0003571.

Allele frequency attached by ClinVar (database versions not stated): gnomAD exomes below 0.00001.
gnomAD v4.1: 1 of 1,614,184 alleles (0.000062%); highest among the groups gnomAD compares: Non-Finnish European, 0.000085%; no homozygotes.

Submission:

Labcorp Genetics (formerly Invitae), Labcorp
Classification: Uncertain significance for Propionic acidemia. Last evaluated: 2023-01-03. Review status: criteria provided, single submitter. Criteria: Invitae Variant Classification Sherloc (09022015). Collection method: clinical testing. Allele origin: germline.
Comment: In summary, the available evidence is currently insufficient to determine the role of this variant in disease. Therefore, it has been classified as a Variant of Uncertain Significance. Algorithms developed to predict the effect of missense changes on protein structure and function (SIFT, PolyPhen-2, Align-GVGD) all suggest that this variant is likely to be disruptive. This variant has not been reported in the literature in individuals affected with PCCB-related conditions. This variant is not present in population databases (gnomAD no frequency). This sequence change replaces aspartic acid, which is acidic and polar, with glycine, which is neutral and non-polar, at codon 92 of the PCCB protein (p.Asp92Gly).

NM_000532.5(PCCB):c.275A>G (p.Asp92Gly)

Gene: PCCB (propionyl-CoA carboxylase subunit beta; plus strand). Cytogenetic location: 3q22.3.
Variant type: single nucleotide variant.
Coding change: c.275A>G on transcript NM_000532.5 (MANE Select); coding-DNA position 275, A replaced by G.
Protein change: p.Asp92Gly; replaces aspartic acid 92 with glycine.
Molecular consequence: missense variant.
Genome position (GRCh38, 1-based): chr3:136,255,947, A>G. VCF-style: chr3-136255947-A-G. GRCh37 (hg19) VCF-style: chr3-135974789-A-G.
Other names: c.275A>G, p.Asp92Gly (NM_001178014.2); short protein forms D92G.
Identifiers: ClinVar variation 2823656 (VCV002823656.3), dbSNP rs2529748602, ClinGen allele CA354738558.